The following is an entry in ClinVar:

ClinVar aggregate classification (germline): Uncertain significance. Review status: criteria provided, single submitter (1 of 4 stars). 2 submissions from 2 submitters: Uncertain significance (1). 1 of the submissions does not count toward it. Last evaluated 2013-11-09.

Conditions:
Autosomal recessive nonsyndromic hearing loss 77. Identifiers: Orphanet 90636, MedGen C2746083, MONDO:0013119, OMIM 613079.

Allele frequency attached by ClinVar (database versions not stated): gnomAD 0.00001 and 0.00002; TOPMed 0.00003; gnomAD exomes 0.00004 and 0.00006; ExAC 0.00009; ESP Exome Variant Server 0.00022.
gnomAD v4.1: 85 of 1,551,744 alleles (0.0055%); highest among the groups gnomAD compares: Middle Eastern, 0.017%; no homozygotes.

Submissions (2):

Laboratory for Molecular Medicine, Mass General Brigham Personalized Medicine
Classification: Uncertain significance. Last evaluated: 2013-11-09. Review status: criteria provided, single submitter. Criteria: LMM Criteria. Collection method: clinical testing. Allele origin: germline. Observed: 1 variant allele.
Comment: Variant classified as Uncertain Significance - Favor Benign. The Val1813Ile vari ant in LOXHD1 has not been previously reported in individuals with hearing loss, but has been identified in 0.03% (1/3182) of European American chromosomes by t he NHLBI Exome Sequencing Project. Computati onal analyses (biochemical amino acid properties, conservation, AlignGVGD, PolyP hen2, and SIFT) do not provide strong support for or against an impact to the pr otein. In summary, additional data is needed to determine the clinical signific ance of this variant.

Natera, Inc.
Classification: Uncertain significance for Autosomal recessive deafness type 77. Last evaluated: 2019-10-28. Review status: no assertion criteria provided. Collection method: clinical testing. Allele origin: germline. Not counted in ClinVar's aggregate classification.

NM_001384474.1(LOXHD1):c.5623G>A (p.Val1875Ile)

Gene: LOXHD1 (lipoxygenase homology PLAT domains 1; minus strand). Cytogenetic location: 18q21.1.
Variant type: single nucleotide variant.
Coding change: c.5623G>A on transcript NM_001384474.1 (MANE Select); coding-DNA position 5623, G replaced by A.
Protein change: p.Val1875Ile; replaces valine 1875 with isoleucine.
Molecular consequence: missense variant.
Genome position (GRCh38, 1-based): chr18:46,507,607, C>T on the plus strand (G>A on the coding strand, the complement: LOXHD1 is on the minus strand). VCF-style: chr18-46507607-C-T. GRCh37 (hg19) VCF-style: chr18-44087570-C-T.
Other names: c.2290G>A, p.Val764Ile (NM_001145472.3); c.340G>A, p.Val114Ile (NM_001145473.3, NM_001173129.2); c.2002G>A, p.Val668Ile (NM_001308013.2); c.5437G>A, p.Val1813Ile (NM_144612.7); short protein forms V1813I, V668I, V764I, V114I, V1875I.
Identifiers: ClinVar variation 163896 (VCV000163896.5), dbSNP rs367623969, ClinGen allele CA176612.